The following is an entry in ClinVar:

ClinVar aggregate classification (germline): Pathogenic/Likely pathogenic. Review status: criteria provided, multiple submitters, no conflicts (2 of 4 stars). 8 submissions from 8 submitters: Pathogenic (6); Likely pathogenic (1). 1 of the submissions does not count toward it. Last evaluated 2025-09-28.

Conditions:
Neurofibromatosis, type 1 (NF1). Also called: Neurofibromatosis, type I; Peripheral type neurofibromatosis; VON RECKLINGHAUSEN DISEASE; NEUROFIBROMATOSIS, TYPE I, SOMATIC. Identifiers: Orphanet 636, MedGen C0027831, MONDO:0018975, OMIM 162200. Disease mechanism: loss of function.
Juvenile myelomonocytic leukemia (JMML). Also called: LEUKEMIA, JUVENILE MYELOMONOCYTIC, SOMATIC. Identifiers: Orphanet 86834, MedGen C0349639, MONDO:0011908, OMIM 607785, HP:0012209.
Cardiovascular phenotype. Identifiers: MedGen CN230736.
Hereditary cancer-predisposing syndrome. Also called: Hereditary Cancer Syndrome; Hereditary neoplastic syndrome; Neoplastic Syndromes, Hereditary; Tumor predisposition. Identifiers: Orphanet 140162, MedGen C0027672, MeSH D009386, MONDO:0015356.

Allele frequency attached by ClinVar (database versions not stated): gnomAD exomes below 0.00001.

Submissions (8):

Labcorp Genetics (formerly Invitae), Labcorp
Classification: Pathogenic for Neurofibromatosis, type 1. Last evaluated: 2025-09-28. Review status: criteria provided, single submitter. Criteria: Invitae Variant Classification Sherloc (09022015). Collection method: clinical testing. Allele origin: germline.
Comment: This sequence change affects a donor splice site in intron 31 of the NF1 gene. It is expected to disrupt RNA splicing. Variants that disrupt the donor or acceptor splice site typically lead to a loss of protein function (PMID: 16199547), and loss-of-function variants in NF1 are known to be pathogenic (PMID: 10712197, 23913538). This variant is not present in population databases (gnomAD no frequency). Disruption of this splice site has been observed in individuals with neurofibromatosis type I (PMID: 16461335, 17311297, 28961165). Invitae Evidence Modeling of clinical and family history, age, sex, and reported ancestry of multiple individuals with this NF1 variant has been performed. This variant is expected to be pathogenic with a positive predictive value of at least 99%. This is a validated machine learning model that incorporates the clinical features of 1,785,918 individuals referred to our laboratory for NF1 testing. ClinVar contains an entry for this variant (Variation ID: 492881). Algorithms developed to predict the effect of sequence changes on RNA splicing suggest that this variant may disrupt the consensus splice site. For these reasons, this variant has been classified as Pathogenic.

Ambry Genetics
Classification: Likely pathogenic for Cardiovascular phenotype; Hereditary cancer-predisposing syndrome. Last evaluated: 2025-05-06. Review status: criteria provided, single submitter. Criteria: Ambry Variant Classification Scheme 2023. Collection method: clinical testing. Allele origin: germline.
Comment: The c.4269+1G>A intronic variant results from a G to A substitution one nucleotide after coding exon 31 of the NF1 gene. In silico splice site analysis predicts that this alteration will weaken the native splice donor site; however, direct evidence is insufficient at this time (Ambry internal data). This variant was reported in individual(s) with features consistent with Neurofibromatosis type 1 (Ambry internal data). Other variant(s) impacting the same donor site (c.4269+2T>C) has been identified in individual(s) with features consistent with Neurofibromatosis type 1 (Giugliano T et al. Genes (Basel), 2019 Jul;10:; Pros E et al. Hum Mutat, 2008 Sep;29:E173-93; Ambry internal data). This variant is considered to be rare based on population cohorts in the Genome Aggregation Database (gnomAD). Based on the majority of available evidence to date, this variant is likely to be pathogenic.

GeneDx
Classification: Pathogenic. Last evaluated: 2024-11-25. Review status: criteria provided, single submitter. Criteria: GeneDx Variant Classification Process June 2021. Collection method: clinical testing. Allele origin: germline. Affected: yes.
Comment: Canonical splice site variant predicted to result in an in-frame loss of the adjacent exon in a gene for which loss of function is a known mechanism of disease; Deletions involving coding exons of this gene are a known mechanism of disease (HGMD; other references); Not observed at significant frequency in large population cohorts (gnomAD); This variant is associated with the following publications: (PMID: 25486365, 22807134, 34944956, 17311297)

Baylor Genetics
Classification: Pathogenic for Juvenile myelomonocytic leukemia. Last evaluated: 2022-11-03. Review status: criteria provided, single submitter. Criteria: ACMG Guidelines, 2015. Collection method: clinical testing. Allele origin: unknown.

Genome-Nilou Lab
Classification: Pathogenic for Neurofibromatosis, type 1. Last evaluated: 2022-03-15. Review status: criteria provided, single submitter. Criteria: ACMG Guidelines, 2015. Collection method: clinical testing. Allele origin: germline. Affected: no.

Genome Diagnostics Laboratory, The Hospital for Sick Children
Classification: Pathogenic for Neurofibromatosis, type 1. Last evaluated: 2020-10-26. Review status: criteria provided, single submitter. Criteria: ACMG Guidelines, 2015. Collection method: clinical testing. Allele origin: germline. Affected: yes.

Clinical Genetics Service, Universitary Hospital 12 de Octubre
Classification: Pathogenic for Neurofibromatosis, type 1. Review status: criteria provided, single submitter. Criteria: ACMG Guidelines, 2015. Collection method: clinical testing. Allele origin: de novo. Affected: yes.

Clinical Molecular Genetics Laboratory, Johns Hopkins All Children's Hospital
Classification: Pathogenic for Neurofibromatosis, type 1. Last evaluated: 2017-08-08. Review status: no assertion criteria provided. Collection method: clinical testing. Allele origin: germline. Affected: yes. Not counted in ClinVar's aggregate classification.

Literature cited by the submitters: PubMed 16199547 (cited by Labcorp Genetics (formerly Invitae), Labcorp); PubMed 10712197 (cited by Labcorp Genetics (formerly Invitae), Labcorp); PubMed 23913538 (cited by Labcorp Genetics (formerly Invitae), Labcorp); PubMed 16461335 (cited by Labcorp Genetics (formerly Invitae), Labcorp); PubMed 17311297 (cited by Labcorp Genetics (formerly Invitae), Labcorp); PubMed 28961165 (cited by Labcorp Genetics (formerly Invitae), Labcorp).

NM_001042492.3(NF1):c.4332+1G>A

Gene: NF1 (neurofibromin 1; plus strand). Cytogenetic location: 17q11.2.
Variant type: single nucleotide variant.
Coding change: c.4332+1G>A on transcript NM_001042492.3 (MANE Select); the canonical splice donor site of the intron after coding-DNA position 4332, G replaced by A.
Molecular consequence: splice donor variant.
Genome position (GRCh38, 1-based): chr17:31,258,503, G>A. VCF-style: chr17-31258503-G-A. GRCh37 (hg19) VCF-style: chr17-29585521-G-A.
Other names: c.4269+1G>A (NM_000267.4); c.4332+1G>A (NM_001042492.2).
Identifiers: ClinVar variation 492881 (VCV000492881.18), dbSNP rs1555618572, ClinGen allele CA398998182.